The following is an entry in ClinVar:

NM_006096.4(NDRG1):c.393G>A (p.Leu131=)

Gene: NDRG1 (N-myc downstream regulated 1; minus strand). Cytogenetic location: 8q24.22.
Variant type: single nucleotide variant.
Coding change: c.393G>A on transcript NM_006096.4 (MANE Select); coding-DNA position 393, G replaced by A.
Protein change: p.Leu131=; no amino-acid change (leucine 131 retained).
Molecular consequence: synonymous variant.
Genome position (GRCh38, 1-based): chr8:133,258,423, C>T on the plus strand (G>A on the coding strand, the complement: NDRG1 is on the minus strand). VCF-style: chr8-133258423-C-T. GRCh37 (hg19) VCF-style: chr8-134270666-C-T.
Other names: c.393G>A, p.Leu131= (NM_001135242.2, NM_001374844.1, NM_001374845.1 and 1 more transcripts); c.195G>A, p.Leu65= (NM_001258432.2, NM_001374847.1); c.150G>A, p.Leu50= (NM_001258433.2).
Identifiers: ClinVar variation 380923 (VCV000380923.19), dbSNP rs149767690, ClinGen allele CA4886765.

ClinVar aggregate classification (germline): Likely benign. Review status: criteria provided, multiple submitters, no conflicts (2 of 4 stars). 8 submissions from 8 submitters: Likely benign (8). Last evaluated 2026-01-24.

Conditions:
NDRG1-related disorder. Also called: NDRG1-related condition.
Inborn genetic diseases. Identifiers: MedGen C0950123, MeSH D030342.
Charcot-Marie-Tooth disease. Also called: Charcot-Marie-Tooth Neuropathy; Charcot-Marie-Tooth Hereditary Neuropathy. Identifiers: Orphanet 166, MedGen C0007959, MONDO:0015626.
Charcot-Marie-Tooth disease type 4. Also called: Charcot-Marie-Tooth disease, type IV; Charcot-Marie-Tooth, Type 4. Identifiers: Orphanet 64749, MedGen C4082197, MONDO:0018995.

Allele frequency attached by ClinVar (database versions not stated): ExAC 0.00013; gnomAD 0.00014 and 0.00016; gnomAD exomes 0.00015 and 0.00007; 1000 Genomes Project 30x 0.00016; 1000 Genomes Project 0.00020; TOPMed 0.00022; ESP Exome Variant Server 0.00031.

Submissions (8):

Labcorp Genetics (formerly Invitae), Labcorp
Classification: Likely benign for Charcot-Marie-Tooth disease type 4. Last evaluated: 2026-01-24. Review status: criteria provided, single submitter. Criteria: Invitae Variant Classification Sherloc (09022015). Collection method: clinical testing. Allele origin: germline.

Women's Health and Genetics/Laboratory Corporation of America, LabCorp
Classification: Likely benign. Last evaluated: 2025-10-13. Review status: criteria provided, single submitter. Criteria: LabCorp Variant Classification Summary - May 2015. Collection method: clinical testing. Allele origin: germline.

PreventionGenetics, part of Exact Sciences
Classification: Likely benign for NDRG1-related condition. Last evaluated: 2024-11-04. Review status: criteria provided, single submitter. Criteria: ACMG Guidelines, 2015. Collection method: clinical testing. Allele origin: germline.
Comment: This variant is classified as likely benign based on ACMG/AMP sequence variant interpretation guidelines (Richards et al. 2015 PMID: 25741868, with internal and published modifications).

Blueprint Genetics
Classification: Likely benign. Last evaluated: 2024-09-17. Review status: criteria provided, single submitter. Criteria: ACMG Guidelines, 2015. Collection method: clinical testing. Allele origin: germline.

Ambry Genetics
Classification: Likely benign for Inborn genetic diseases. Last evaluated: 2019-07-11. Review status: criteria provided, single submitter. Criteria: Ambry Variant Classification Scheme 2023. Collection method: clinical testing. Allele origin: germline.

GeneDx
Classification: Likely benign. Last evaluated: 2016-02-22. Review status: criteria provided, single submitter. Criteria: GeneDx Variant Classification (06012015). Collection method: clinical testing. Allele origin: germline. Affected: yes.
Comment: This variant is considered likely benign or benign based on one or more of the following criteria: it is a conservative change, it occurs at a poorly conserved position in the protein, it is predicted to be benign by multiple in silico algorithms, and/or has population frequency not consistent with disease.

Breakthrough Genomics
Classification: Likely benign. Review status: criteria provided, single submitter. Criteria: ACMG Guidelines, 2015. Collection method: not provided. Allele origin: germline. Inheritance: Autosomal recessive inheritance. Affected: yes.

Molecular Genetics Laboratory, London Health Sciences Centre
Classification: Likely benign for Charcot-Marie-Tooth disease. Review status: criteria provided, single submitter. Criteria: ACMG Guidelines, 2015. Collection method: clinical testing. Allele origin: germline. Affected: yes.